The following is an entry in ClinVar:

ClinVar aggregate classification (germline): Conflicting classifications of pathogenicity. Review status: criteria provided, conflicting classifications (1 of 4 stars). 6 submissions from 5 submitters: Uncertain significance (1); Likely benign (4). 1 of the submissions does not count toward it. Last evaluated 2026-01-27.

Conditions:
Aortic valve disease 1 (AOVD1). Identifiers: MedGen C3887892, MONDO:0024523, OMIM 109730.
Familial thoracic aortic aneurysm and aortic dissection (TAAD). Also called: Thoracic aortic aneurysms and dissections. Identifiers: Orphanet 91387, MedGen C4707243, MONDO:0019625.
NOTCH1-related disorder. Also called: NOTCH1-related disorders; NOTCH1-related condition.
Adams-Oliver syndrome 5 (AOS5). Identifiers: Orphanet 974, MedGen C4014970, MONDO:0014459, OMIM 616028.

Allele frequency attached by ClinVar (database versions not stated): gnomAD exomes 0.00004; ExAC 0.00008; ESP Exome Variant Server 0.00017; gnomAD 0.00017 and 0.00018; 1000 Genomes Project 0.00040; 1000 Genomes Project 30x 0.00047; TOPMed 0.00051.
gnomAD v4.1: 73 of 1,594,586 alleles (0.0046%); highest among the groups gnomAD compares: Admixed American, 0.067%; no homozygotes.

Submissions (6):

Labcorp Genetics (formerly Invitae), Labcorp
Classification: Likely benign for Adams-Oliver syndrome 5. Last evaluated: 2026-01-27. Review status: criteria provided, single submitter. Criteria: Invitae Variant Classification Sherloc (09022015). Collection method: clinical testing. Allele origin: germline.

Genome-Nilou Lab
Classification: Likely benign for Adams-Oliver syndrome 5. Last evaluated: 2022-03-15. Review status: criteria provided, single submitter. Criteria: ACMG Guidelines, 2015. Collection method: clinical testing. Allele origin: germline. Affected: no.

Genome-Nilou Lab
Classification: Likely benign for Aortic valve disease 1. Last evaluated: 2022-03-15. Review status: criteria provided, single submitter. Criteria: ACMG Guidelines, 2015. Collection method: clinical testing. Allele origin: germline. Affected: no.

GeneDx
Classification: Likely benign. Last evaluated: 2021-04-09. Review status: criteria provided, single submitter. Criteria: GeneDx Variant Classification Process June 2021. Collection method: clinical testing. Allele origin: germline. Affected: yes.

Ambry Genetics
Classification: Uncertain significance for Familial thoracic aortic aneurysm and aortic dissection. Last evaluated: 2021-03-04. Review status: criteria provided, single submitter. Criteria: Ambry Variant Classification Scheme 2023. Collection method: clinical testing. Allele origin: germline.
Comment: The c.3644-5C>T intronic variant results from a C to T substitution 5 nucleotides upstream from coding exon 23 in the NOTCH1 gene. This nucleotide position is poorly conserved in available vertebrate species. In silico splice site analysis predicts that this alteration will not have any significant effect on splicing. Since supporting evidence is limited at this time, the clinical significance of this alteration remains unclear.

PreventionGenetics, part of Exact Sciences
Classification: Likely benign for NOTCH1-related condition. Last evaluated: 2020-04-01. Review status: no assertion criteria provided. Collection method: clinical testing. Allele origin: germline. Not counted in ClinVar's aggregate classification.
Comment: This variant is classified as likely benign based on ACMG/AMP sequence variant interpretation guidelines (Richards et al. 2015 PMID: 25741868, with internal and published modifications).

NM_017617.5(NOTCH1):c.3644-5C>T

Gene: NOTCH1 (notch receptor 1; minus strand). Cytogenetic location: 9q34.3.
Variant type: single nucleotide variant.
Coding change: c.3644-5C>T on transcript NM_017617.5 (MANE Select); 5 bases into the intron before coding-DNA position 3644, C replaced by T.
Molecular consequence: intron variant.
Genome position (GRCh38, 1-based): chr9:136,506,978, G>A on the plus strand (C>T on the coding strand, the complement: NOTCH1 is on the minus strand). VCF-style: chr9-136506978-G-A. GRCh37 (hg19) VCF-style: chr9-139401430-G-A.
Other names: c.3644-5C>T (LRG_1122t1, NM_017617.4).
Identifiers: ClinVar variation 415394 (VCV000415394.19), dbSNP rs371070297, ClinGen allele CA5340836.